The following is an entry in ClinVar:

NM_017802.4(DNAAF5):c.5C>A (p.Ala2Glu)

Genes: DNAAF5 (dynein axonemal assembly factor 5; plus strand), PRKAR1B (protein kinase cAMP-dependent type I regulatory subunit beta; minus strand). Cytogenetic location: 7p22.3.
Variant type: single nucleotide variant.
Coding change: c.5C>A on transcript NM_017802.4 (MANE Select); coding-DNA position 5, C replaced by A.
Protein change: p.Ala2Glu; replaces alanine 2 with glutamic acid.
Molecular consequence: missense variant. On other transcripts: non-coding transcript variant (1), intron variant (3).
Genome position (GRCh38, 1-based): chr7:726,725, C>A. VCF-style: chr7-726725-C-A. GRCh37 (hg19) VCF-style: chr7-766362-C-A.
Other names: c.-23+930G>T (NM_001164759.1); c.-23+865G>T (NM_001164758.2); c.-23+485G>T (NM_001164760.2); short protein forms A2E.
Identifiers: ClinVar variation 1467902 (VCV001467902.8), dbSNP rs2128537985, ClinGen allele CA366529561.

ClinVar aggregate classification (germline): Uncertain significance (1 of 4 stars; one submission).

Conditions:
Primary ciliary dyskinesia. Also called: Ciliary dyskinesia. Identifiers: Orphanet 244, MedGen C0008780, MONDO:0016575, HP:0012265.

Submission:

Labcorp Genetics (formerly Invitae), Labcorp
Classification: Uncertain significance for Primary ciliary dyskinesia. Last evaluated: 2020-11-25. Review status: criteria provided, single submitter. Criteria: Invitae Variant Classification Sherloc (09022015). Collection method: clinical testing. Allele origin: germline.
Comment: In summary, the available evidence is currently insufficient to determine the role of this variant in disease. Therefore, it has been classified as a Variant of Uncertain Significance. Algorithms developed to predict the effect of missense changes on protein structure and function (SIFT, PolyPhen-2, Align-GVGD) all suggest that this variant is likely to be tolerated, but these predictions have not been confirmed by published functional studies and their clinical significance is uncertain. This sequence change replaces alanine with glutamic acid at codon 2 of the DNAAF5 protein (p.Ala2Glu). The alanine residue is weakly conserved and there is a moderate physicochemical difference between alanine and glutamic acid. The frequency data for this variant in the population databases is considered unreliable, as metrics indicate insufficient coverage at this position in the ExAC database. This variant has not been reported in the literature in individuals with DNAAF5-related conditions.